The following is an entry in ClinVar:

ClinVar aggregate classification (germline): Likely benign. Review status: criteria provided, single submitter (1 of 4 stars). 2 submissions from 2 submitters: Likely benign (1). 1 of the submissions does not count toward it. Last evaluated 2018-05-09.

Conditions:
NRP2-related disorder. Also called: NRP2-related condition.

Allele frequency attached by ClinVar (database versions not stated): ExAC 0.00002; gnomAD 0.00002; gnomAD exomes 0.00003 and 0.00005; TOPMed 0.00003.
gnomAD v4.1: 19 of 1,613,916 alleles (0.0012%); highest among the groups gnomAD compares: Admixed American, 0.032%; no homozygotes.

Submissions (2):

Labcorp Genetics (formerly Invitae), Labcorp
Classification: Likely benign. Last evaluated: 2018-05-09. Review status: criteria provided, single submitter. Criteria: Invitae Variant Classification Sherloc (09022015). Collection method: clinical testing. Allele origin: germline.

PreventionGenetics, part of Exact Sciences
Classification: Likely benign for NRP2-related condition. Last evaluated: 2021-06-02. Review status: no assertion criteria provided. Collection method: clinical testing. Allele origin: germline. Not counted in ClinVar's aggregate classification.
Comment: This variant is classified as likely benign based on ACMG/AMP sequence variant interpretation guidelines (Richards et al. 2015 PMID: 25741868, with internal and published modifications).

NM_003872.3(NRP2):c.420G>A (p.Glu140=)

Gene: NRP2 (neuropilin 2; plus strand). Cytogenetic location: 2q33.3.
Variant type: single nucleotide variant.
Coding change: c.420G>A on transcript NM_003872.3 (MANE Select); coding-DNA position 420, G replaced by A.
Protein change: p.Glu140=; no amino-acid change (glutamic acid 140 retained).
Molecular consequence: synonymous variant.
Genome position (GRCh38, 1-based): chr2:205,716,361, G>A. VCF-style: chr2-205716361-G-A. GRCh37 (hg19) VCF-style: chr2-206581085-G-A.
Other names: c.420G>A, p.Glu140= (NM_018534.4, NM_201264.2, NM_201266.2 and 2 more transcripts).
Identifiers: ClinVar variation 744147 (VCV000744147.5), dbSNP rs764261615, ClinGen allele CA2068799.
Genomic context (GRCh38, chr2:205,716,361, plus strand): 5'-CTACATCAAGTTCACCTCCGACTACGCCCGGCAGGGGGCAGGCTTCTCTCTGCGCTACGA[G>A]ATCTTCAAGACAGGTCAGTGTGGTCACACGTAGGGGCCGGGAGATGGGCGTCTTAGAGAA-3'
Protein context (NP_003863.2, residues 130-150): RQGAGFSLRY[Glu140=]IFKTGSEDCS